The following is an entry in ClinVar:

ClinVar aggregate classification (germline): Conflicting classifications of pathogenicity. Review status: criteria provided, conflicting classifications (1 of 4 stars). 5 submissions from 5 submitters: Uncertain significance (4); Likely benign (1). Last evaluated 2025-11-24.

Conditions:
Hereditary cancer-predisposing syndrome. Also called: Tumor predisposition; Hereditary neoplastic syndrome; Neoplastic Syndromes, Hereditary; Hereditary Cancer Syndrome. Identifiers: Orphanet 140162, MedGen C0027672, MeSH D009386, MONDO:0015356.
Cardiovascular phenotype. Identifiers: MedGen CN230736.
LZTR1-related schwannomatosis. Also called: Schwannomatosis 2; Schwannomatosis-2, susceptibility to. Identifiers: Orphanet 93921, MedGen C3810283, MONDO:0014299, OMIM 615670.

Allele frequency attached by ClinVar (database versions not stated): TOPMed 0.00001; gnomAD exomes 0.00005 and 0.00007; ExAC 0.00006; gnomAD 0.00007 and 0.00008.

Submissions (5):

Labcorp Genetics (formerly Invitae), Labcorp
Classification: Uncertain significance. Last evaluated: 2025-11-24. Review status: criteria provided, single submitter. Criteria: Invitae Variant Classification Sherloc (09022015). Collection method: clinical testing. Allele origin: germline.
Comment: This sequence change replaces glutamic acid, which is acidic and polar, with lysine, which is basic and polar, at codon 571 of the LZTR1 protein (p.Glu571Lys). This variant is present in population databases (rs5761750, gnomAD 0.07%). This variant has not been reported in the literature in individuals affected with LZTR1-related conditions. ClinVar contains an entry for this variant (Variation ID: 1413570). Invitae Evidence Modeling of protein sequence and biophysical properties (such as structural, functional, and spatial information, amino acid conservation, physicochemical variation, residue mobility, and thermodynamic stability) indicates that this missense variant is not expected to disrupt LZTR1 protein function with a negative predictive value of 80%. In summary, the available evidence is currently insufficient to determine the role of this variant in disease. Therefore, it has been classified as a Variant of Uncertain Significance.

GeneDx
Classification: Uncertain significance. Last evaluated: 2025-08-07. Review status: criteria provided, single submitter. Criteria: GeneDx Variant Classification Process June 2021. Collection method: clinical testing. Allele origin: germline.
Comment: In silico analysis suggests that this missense variant does not alter protein structure/function; Observed in an individual with Noonan syndrome in published literature (PMID: 35739278); This variant is associated with the following publications: (PMID: 35739278)

Ambry Genetics
Classification: Uncertain significance for Cardiovascular phenotype; Hereditary cancer-predisposing syndrome. Last evaluated: 2024-11-18. Review status: criteria provided, single submitter. Criteria: Ambry Variant Classification Scheme 2023. Collection method: clinical testing. Allele origin: germline.
Comment: The p.E571K variant (also known as c.1711G>A), located in coding exon 15 of the LZTR1 gene, results from a G to A substitution at nucleotide position 1711. The glutamic acid at codon 571 is replaced by lysine, an amino acid with similar properties. This amino acid position is highly conserved in available vertebrate species. In addition, the in silico prediction for this alteration is inconclusive. Based on the available evidence, the clinical significance of this variant remains unclear.

Baylor Genetics
Classification: Uncertain significance for LZTR1-related schwannomatosis. Last evaluated: 2023-06-04. Review status: criteria provided, single submitter. Criteria: ACMG Guidelines, 2015. Collection method: clinical testing. Allele origin: unknown.

Blueprint Genetics
Classification: Likely benign. Last evaluated: 2022-01-26. Review status: criteria provided, single submitter. Criteria: ACMG Guidelines, 2015. Collection method: clinical testing. Allele origin: germline.

NM_006767.4(LZTR1):c.1711G>A (p.Glu571Lys)

Gene: LZTR1 (leucine zipper like post translational regulator 1; plus strand). Cytogenetic location: 22q11.21.
Variant type: single nucleotide variant.
Coding change: c.1711G>A on transcript NM_006767.4 (MANE Select); coding-DNA position 1711, G replaced by A.
Protein change: p.Glu571Lys; replaces glutamic acid 571 with lysine.
Molecular consequence: missense variant.
Genome position (GRCh38, 1-based): chr22:20,994,653, G>A. VCF-style: chr22-20994653-G-A. GRCh37 (hg19) VCF-style: chr22-21348942-G-A.
Other names: short protein forms E571K.
Identifiers: ClinVar variation 1413570 (VCV001413570.12), dbSNP rs5761750, ClinGen allele CA10119030.